The following is an entry in ClinVar:

NM_000492.4(CFTR):c.3479_3482del (p.Val1160fs)

Genes: CFTR (CF transmembrane conductance regulator; plus strand), CFTR-AS2 (CFTR antisense RNA 2; minus strand). Cytogenetic location: 7q31.2.
Variant type: Deletion.
Coding change: c.3479_3482del on transcript NM_000492.4 (MANE Select); coding-DNA positions 3479 to 3482, 4 bases deleted (TGAG; older notation c.3479_3482delTGAG).
Protein change: p.Val1160fs; shifts the reading frame from valine 1160.
Molecular consequence: frameshift variant.
Genome position (GRCh38, 1-based): chr7:117,627,532-117,627,535, TGAG deleted; deleting any 4 consecutive bases within chr7:117,627,531-117,627,535 gives the same sequence; the c. name uses the placement nearest the transcript's 3' end. VCF-style (leftmost placement, unchanged base first): chr7-117627530-TGTGA-T. GRCh37 (hg19) VCF-style: chr7-117267584-TGTGA-T.
Other names: c.3479_3482delTGAG, p.Val1160Alafs (NM_000492.3); short protein forms V1160fs.
Identifiers: ClinVar variation 4818538 (VCV004818538.1).
Genomic context (GRCh38, chr7:117,627,530, plus strand): 5'-GTGAAATTGTCTGCCATTCTTAAAAACAAAAATGTTGTTATTTTTATTTCAGATGCGATC[TGTGA>T]GCCGAGTCTTTAAGTTCATTGACATGCCAACAGAAGGTAAACCTACCAAGTCAACCAAAC-3'

ClinVar aggregate classification (germline): Likely pathogenic (1 of 4 stars; one submission).

Conditions:
CFTR-related disorder (CFTR-RD). Also called: CFTR-related disorders; CFTR-related condition. Identifiers: MedGen C5924204, MONDO:7770004.

Submission:

Natera, Inc.
Classification: Likely pathogenic for CFTR-related disorders. Last evaluated: 2025-12-26. Review status: criteria provided, single submitter. Criteria: Natera Variant Classification Schema (03/2026). Collection method: clinical testing. Allele origin: germline.
Comment: The c.3479_3482del variant in CFTR is a frameshift variant predicted to shift the reading frame beginning at codon 1160 and leads to a stop codon 31 codons downstream. This variant is expected to result in nonsense mediated decay, truncation, or a dysfunctional protein product. This variant is rare in the general population with a frequency below the threshold expected for the associated phenotype(s). Given the available evidence, this variant is classified as Likely Pathogenic.